The following is an entry in ClinVar:

NM_016239.4(MYO15A):c.7212G>A (p.Ala2404=)

Gene: MYO15A (myosin XVA; plus strand). Cytogenetic location: 17p11.2.
Variant type: single nucleotide variant.
Coding change: c.7212G>A on transcript NM_016239.4 (MANE Select); coding-DNA position 7212, G replaced by A.
Protein change: p.Ala2404=; no amino-acid change (alanine 2404 retained).
Molecular consequence: synonymous variant.
Genome position (GRCh38, 1-based): chr17:18,149,580, G>A. VCF-style: chr17-18149580-G-A. GRCh37 (hg19) VCF-style: chr17-18052894-G-A.
Identifiers: ClinVar variation 1695464 (VCV001695464.4), dbSNP rs200000232, ClinGen allele CA8424764.

ClinVar aggregate classification (germline): Uncertain significance. Review status: criteria provided, multiple submitters, no conflicts (2 of 4 stars). 2 submissions from 2 submitters: Uncertain significance (2). Last evaluated 2025-12-02.

Allele frequency attached by ClinVar (database versions not stated): ESP Exome Variant Server 0.00008; TOPMed 0.00005; gnomAD exomes 0.00006 and 0.00009; ExAC 0.00007; gnomAD 0.00007.
gnomAD v4.1: 131 of 1,613,548 alleles (0.0081%); highest among the groups gnomAD compares: Non-Finnish European, 0.009%; no homozygotes.

Submissions (2):

GeneDx
Classification: Uncertain significance. Last evaluated: 2025-12-02. Review status: criteria provided, single submitter. Criteria: GeneDx Variant Classification Process June 2021. Collection method: clinical testing. Allele origin: germline. Affected: yes.
Comment: In silico analysis supports a deleterious effect on splicing; Has not been previously published as pathogenic or benign to our knowledge

Labcorp Genetics (formerly Invitae), Labcorp
Classification: Uncertain significance. Last evaluated: 2022-04-29. Review status: criteria provided, single submitter. Criteria: Invitae Variant Classification Sherloc (09022015). Collection method: clinical testing. Allele origin: germline.
Comment: This sequence change affects codon 2404 of the MYO15A mRNA. It is a 'silent' change, meaning that it does not change the encoded amino acid sequence of the MYO15A protein. This variant also falls at the last nucleotide of exon 35, which is part of the consensus splice site for this exon. This variant is present in population databases (rs200000232, gnomAD 0.02%). This variant has not been reported in the literature in individuals affected with MYO15A-related conditions. Variants that disrupt the consensus splice site are a relatively common cause of aberrant splicing (PMID: 17576681, 9536098). Algorithms developed to predict the effect of sequence changes on RNA splicing suggest that this variant may disrupt the consensus splice site. In summary, the available evidence is currently insufficient to determine the role of this variant in disease. Therefore, it has been classified as a Variant of Uncertain Significance.

Literature cited by the submitters: PubMed 17576681 (cited by Labcorp Genetics (formerly Invitae), Labcorp); PubMed 9536098 (cited by Labcorp Genetics (formerly Invitae), Labcorp).